The following is an entry in ClinVar:

NM_016169.4(SUFU):c.1001G>C (p.Gly334Ala)

Gene: SUFU (SUFU negative regulator of hedgehog signaling; plus strand). Cytogenetic location: 10q24.32.
Variant type: single nucleotide variant.
Coding change: c.1001G>C on transcript NM_016169.4 (MANE Select); coding-DNA position 1001, G replaced by C.
Protein change: p.Gly334Ala; replaces glycine 334 with alanine.
Molecular consequence: missense variant.
Genome position (GRCh38, 1-based): chr10:102,599,523, G>C. VCF-style: chr10-102599523-G-C. GRCh37 (hg19) VCF-style: chr10-104359280-G-C.
Other names: c.1001G>C, p.Gly334Ala (NM_001178133.2); short protein forms G334A.
Identifiers: ClinVar variation 2949180 (VCV002949180.3), dbSNP rs1295694684, ClinGen allele CA377911177.

ClinVar aggregate classification (germline): Uncertain significance (1 of 4 stars; one submission).

Conditions:
Gorlin syndrome. Also called: Nevoid Basal Cell Carcinoma Syndrome; Basal cell nevus syndrome. Identifiers: Orphanet 377, MedGen C0004779, MONDO:0007187.
Medulloblastoma (MDB). Also called: MEDULLOBLASTOMA PREDISPOSITION SYNDROME; Medulloblastoma, somatic. Identifiers: Orphanet 616, MedGen C0025149, MeSH D008527, MONDO:0007959, OMIM 155255, HP:0002885.

Allele frequency attached by ClinVar (database versions not stated): gnomAD exomes below 0.00001.
gnomAD v4.1: 1 of 1,614,162 alleles (0.000062%); highest among the groups gnomAD compares: South Asian, 0.0011%; no homozygotes.

Submission:

Labcorp Genetics (formerly Invitae), Labcorp
Classification: Uncertain significance for Gorlin syndrome; Medulloblastoma. Last evaluated: 2023-06-22. Review status: criteria provided, single submitter. Criteria: Invitae Variant Classification Sherloc (09022015). Collection method: clinical testing. Allele origin: germline.
Comment: An algorithm developed to predict the effect of missense changes on protein structure and function (PolyPhen-2) suggests that this variant is likely to be tolerated. In summary, the available evidence is currently insufficient to determine the role of this variant in disease. Therefore, it has been classified as a Variant of Uncertain Significance. This sequence change replaces glycine, which is neutral and non-polar, with alanine, which is neutral and non-polar, at codon 334 of the SUFU protein (p.Gly334Ala). This variant has not been reported in the literature in individuals affected with SUFU-related conditions. This variant is present in population databases (no rsID available, gnomAD 0.003%).